The following is an entry in ClinVar:

NM_004999.4(MYO6):c.884G>A (p.Arg295His)

Gene: MYO6 (myosin VI; plus strand). Cytogenetic location: 6q14.1.
Variant type: single nucleotide variant.
Coding change: c.884G>A on transcript NM_004999.4 (MANE Select); coding-DNA position 884, G replaced by A.
Protein change: p.Arg295His; replaces arginine 295 with histidine.
Molecular consequence: missense variant. On other transcripts: non-coding transcript variant (1).
Genome position (GRCh38, 1-based): chr6:75,844,964, G>A. VCF-style: chr6-75844964-G-A. GRCh37 (hg19) VCF-style: chr6-76554681-G-A.
Other names: c.884G>A (NM_004999.3); c.884G>A, p.Arg295His (NM_001300899.2, NM_001368136.1, NM_001368137.1 and 2 more transcripts); c.869G>A, p.Arg290His (NM_001368138.1); short protein forms R290H, R295H.
Identifiers: ClinVar variation 2967876 (VCV002967876.4), dbSNP rs771731646, ClinGen allele CA3896976.
Genomic context (GRCh38, chr6:75,844,964, plus strand): 5'-ACCGAGGCTGCACTAGATACTTTGCTAACAAAGAAACTGACAAACAGATTTTACAGAACC[G>A]CAAAAGTCCTGAGGTATAGTAGACCATTGTTCATAAAATCTTTAACTTAAAAAAAAACTC-3'
Protein context (NP_004990.3, residues 285-305): KETDKQILQN[Arg295His]KSPEYLKAGS

ClinVar aggregate classification (germline): Uncertain significance. Review status: criteria provided, multiple submitters, no conflicts (2 of 4 stars). 2 submissions from 2 submitters: Uncertain significance (2). Last evaluated 2023-12-16.

Allele frequency attached by ClinVar (database versions not stated): gnomAD 0.00001; gnomAD exomes 0.00001; TOPMed 0.00001; ExAC 0.00002.
gnomAD v4.1: 25 of 1,611,536 alleles (0.0016%); highest among the groups gnomAD compares: South Asian, 0.013%; no homozygotes.

Submissions (2):

Labcorp Genetics (formerly Invitae), Labcorp
Classification: Uncertain significance. Last evaluated: 2023-12-16. Review status: criteria provided, single submitter. Criteria: Invitae Variant Classification Sherloc (09022015). Collection method: clinical testing. Allele origin: germline.
Comment: This sequence change replaces arginine, which is basic and polar, with histidine, which is basic and polar, at codon 295 of the MYO6 protein (p.Arg295His). This variant is present in population databases (rs771731646, gnomAD 0.02%). This variant has not been reported in the literature in individuals affected with MYO6-related conditions. Advanced modeling of protein sequence and biophysical properties (such as structural, functional, and spatial information, amino acid conservation, physicochemical variation, residue mobility, and thermodynamic stability) performed at Invitae indicates that this missense variant is not expected to disrupt MYO6 protein function with a negative predictive value of 80%. In summary, the available evidence is currently insufficient to determine the role of this variant in disease. Therefore, it has been classified as a Variant of Uncertain Significance.

GeneDx
Classification: Uncertain significance. Last evaluated: 2023-12-08. Review status: criteria provided, single submitter. Criteria: GeneDx Variant Classification Process June 2021. Collection method: clinical testing. Allele origin: germline. Affected: yes.
Comment: In silico analysis supports that this missense variant does not alter protein structure/function; Has not been previously published as pathogenic or benign to our knowledge